The following is an entry in ClinVar:

NM_003072.5(SMARCA4):c.3734C>G (p.Ala1245Gly)

Gene: SMARCA4 (SWI/SNF related BAF chromatin remodeling complex subunit ATPase 4; plus strand). Cytogenetic location: 19p13.2.
Variant type: single nucleotide variant.
Coding change: c.3734C>G on transcript NM_003072.5 (MANE Select); coding-DNA position 3734, C replaced by G.
Protein change: p.Ala1245Gly; replaces alanine 1245 with glycine.
Molecular consequence: missense variant. On other transcripts: non-coding transcript variant (1).
Genome position (GRCh38, 1-based): chr19:11,033,477, C>G. VCF-style: chr19-11033477-C-G. GRCh37 (hg19) VCF-style: chr19-11144153-C-G.
Other names: c.3734C>G, p.Ala1245Gly (NM_001128844.3, NM_001128845.2, NM_001128846.2 and 5 more transcripts); short protein forms A1245G.
Identifiers: ClinVar variation 212251 (VCV000212251.7), dbSNP rs797045984, ClinGen allele CA207345.

ClinVar aggregate classification (germline): Conflicting classifications of pathogenicity. Review status: criteria provided, conflicting classifications (1 of 4 stars). 2 submissions from 2 submitters: Likely pathogenic (1); Uncertain significance (1). Last evaluated 2025-05-16.

Conditions:
Intellectual disability, autosomal dominant 16 (CSS4). Also called: COFFIN-SIRIS SYNDROME 4. Identifiers: Orphanet 1465, MedGen C3553249, MONDO:0013821, OMIM 614609.

Submissions (2):

GeneDx
Classification: Uncertain significance. Last evaluated: 2025-05-16. Review status: criteria provided, single submitter. Criteria: GeneDx Variant Classification Process June 2021. Collection method: clinical testing. Allele origin: germline. Affected: yes.
Comment: Identified in a patient with a neurodevelopmental disorder in published literature; however, clinical details and segregation data were not provided (PMID: 37500730); Not observed at significant frequency in large population cohorts (gnomAD); In silico analysis suggests that this missense variant does not alter protein structure/function; This variant is associated with the following publications: (PMID: 37500730)

Genetic Services Laboratory, University of Chicago
Classification: Likely pathogenic for Mental retardation, autosomal dominant 16. Last evaluated: 2016-06-09. Review status: criteria provided, single submitter. Criteria: ACMG Guidelines, 2015. Collection method: clinical testing. Allele origin: germline. Affected: yes.